The following is an entry in ClinVar:

NM_004446.3(EPRS1):c.32G>T (p.Gly11Val)

Genes: EPRS1 (glutamyl-prolyl-tRNA synthetase 1; minus strand), LOC129932524 (ATAC-STARR-seq lymphoblastoid active region 2551; plus strand). Cytogenetic location: 1q41.
Variant type: single nucleotide variant.
Coding change: c.32G>T on transcript NM_004446.3 (MANE Select); coding-DNA position 32, G replaced by T.
Protein change: p.Gly11Val; replaces glycine 11 with valine.
Molecular consequence: missense variant.
Genome position (GRCh38, 1-based): chr1:220,046,357, C>A on the plus strand (G>T on the coding strand, the complement: EPRS1 is on the minus strand). VCF-style: chr1-220046357-C-A. GRCh37 (hg19) VCF-style: chr1-220219699-C-A.
Other names: short protein forms G11V.
Identifiers: ClinVar variation 3089873 (VCV003089873.1), dbSNP rs753208571, ClinGen allele CA1400667.
Genomic context (GRCh38, chr1:220,046,357, plus strand): 5'-CCCTGGCTGATGCAACCCACACAGGTCATTGGTCTCGGCCCCTTACCTAGCGGAGGGTCT[C>A]CTGAATTCACGGTCAGAGAGAGCGTCGCCATCTCCACCAGTCCGCTGGTCCACCTGTCAG-3'
Protein context (NP_004437.2, residues 1-21): MATLSLTVNS[Gly11Val]DPPLGALLAV

ClinVar aggregate classification (germline): Uncertain significance (1 of 4 stars; one submission).

Conditions:
Inborn genetic diseases. Identifiers: MedGen C0950123, MeSH D030342.

Allele frequency attached by ClinVar (database versions not stated): gnomAD exomes 0.00001; TOPMed 0.00001; ExAC 0.00002.
gnomAD v4.1: 3 of 1,614,116 alleles (0.00019%); highest among the groups gnomAD compares: Admixed American, 0.005%; no homozygotes.

Submission:

Ambry Genetics
Classification: Uncertain significance for Inborn genetic diseases. Last evaluated: 2021-01-07. Review status: criteria provided, single submitter. Criteria: Ambry Variant Classification Scheme 2023. Collection method: clinical testing. Allele origin: germline.
Comment: The c.32G>T (p.G11V) alteration is located in exon 1 (coding exon 1) of the EPRS gene. This alteration results from a G to T substitution at nucleotide position 32, causing the glycine (G) at amino acid position 11 to be replaced by a valine (V). The p.G11V alteration is predicted to be tolerated by in silico analysis. Based on insufficient or conflicting evidence, the clinical significance of this alteration remains unclear.